The following is an entry in ClinVar:

NM_024996.7(GFM1):c.1910-2A>T

Gene: GFM1 (G elongation factor mitochondrial 1; plus strand). Cytogenetic location: 3q25.32.
Variant type: single nucleotide variant.
Coding change: c.1910-2A>T on transcript NM_024996.7 (MANE Select); the canonical splice acceptor site of the intron before coding-DNA position 1910, A replaced by T.
Molecular consequence: splice acceptor variant.
Genome position (GRCh38, 1-based): chr3:158,690,161, A>T. VCF-style: chr3-158690161-A-T. GRCh37 (hg19) VCF-style: chr3-158407950-A-T.
Other names: c.1967-2A>T (NM_001308164.2); c.1685-2A>T (NM_001374357.1); c.1829-2A>T (NM_001374355.1); c.1793-2A>T (NM_001374356.1); c.1343-2A>T (NM_001374359.1, NM_001374360.1); c.1226-2A>T (NM_001374361.1); c.1451-2A>T (NM_001374358.1); c.1910-2A>T (NM_024996.5).
Identifiers: ClinVar variation 1066690 (VCV001066690.11), dbSNP rs867885977, ClinGen allele CA355182231.

ClinVar aggregate classification (germline): Likely pathogenic. Review status: criteria provided, multiple submitters, no conflicts (2 of 4 stars). 4 submissions from 4 submitters: Likely pathogenic (4). Last evaluated 2025-01-02.

Conditions:
Hepatoencephalopathy due to combined oxidative phosphorylation defect type 1. Also called: HEPATOENCEPHALOPATHY, EARLY FATAL PROGRESSIVE. Identifiers: Orphanet 137681, MedGen C1836797, MONDO:0012191, OMIM 609060.

Allele frequency attached by ClinVar (database versions not stated): gnomAD exomes below 0.00001; gnomAD 0.00001.
gnomAD v4.1: 3 of 1,610,710 alleles (0.00019%); highest among the groups gnomAD compares: African/African-American, 0.0027%; no homozygotes.

Submissions (4):

Natera, Inc.
Classification: Likely pathogenic for Combined oxidative phosphorylation deficiency 1. Last evaluated: 2025-01-02. Review status: criteria provided, single submitter. Criteria: Natera Variant Classification Schema (03/2026). Collection method: clinical testing. Allele origin: germline.
Comment: The c.1910-2A>T variant in GFM1 is a canonical splice acceptor site variant predicted to affect pre-mRNA splicing, which may result in an abnormal transcript and altered protein product. This variant is expected to result in nonsense mediated decay, truncation, or a dysfunctional protein product. This variant is rare in the general population with a frequency below the threshold expected for the associated phenotype(s). Given the available evidence, this variant is classified as Likely Pathogenic.

Fulgent Genetics
Classification: Likely pathogenic for Hepatoencephalopathy due to combined oxidative phosphorylation defect type 1. Last evaluated: 2024-04-29. Review status: criteria provided, single submitter. Criteria: ACMG Guidelines, 2015. Collection method: clinical testing. Allele origin: germline.

Baylor Genetics
Classification: Likely pathogenic for Hepatoencephalopathy due to combined oxidative phosphorylation defect type 1. Last evaluated: 2023-03-20. Review status: criteria provided, single submitter. Criteria: ACMG Guidelines, 2015. Collection method: clinical testing. Allele origin: unknown.

Labcorp Genetics (formerly Invitae), Labcorp
Classification: Likely pathogenic. Last evaluated: 2020-09-08. Review status: criteria provided, single submitter. Criteria: Invitae Variant Classification Sherloc (09022015). Collection method: clinical testing. Allele origin: germline.
Comment: In summary, the currently available evidence indicates that the variant is pathogenic, but additional data are needed to prove that conclusively. Therefore, this variant has been classified as Likely Pathogenic. Donor and acceptor splice site variants typically lead to a loss of protein function (PMID: 16199547), and loss-of-function variants in GFM1 are known to be pathogenic (PMID: 16632485, 17160893). Algorithms developed to predict the effect of sequence changes on RNA splicing suggest that this variant may disrupt the consensus splice site, but this prediction has not been confirmed by published transcriptional studies. This variant has not been reported in the literature in individuals with GFM1-related conditions. This variant is not present in population databases (ExAC no frequency). This sequence change affects an acceptor splice site in intron 15 of the GFM1 gene. It is expected to disrupt RNA splicing and likely results in an absent or disrupted protein product.

Literature cited by the submitters: PubMed 16199547 (cited by Labcorp Genetics (formerly Invitae), Labcorp); PubMed 16632485 (cited by Labcorp Genetics (formerly Invitae), Labcorp); PubMed 17160893 (cited by Labcorp Genetics (formerly Invitae), Labcorp).